The following is an entry in ClinVar:

NM_001352913.2(PPP2R5C):c.1629G>T (p.Lys543Asn)

Gene: PPP2R5C (protein phosphatase 2 regulatory subunit B'gamma; plus strand). Cytogenetic location: 14q32.31.
Variant type: single nucleotide variant.
Coding change: c.1629G>T on transcript NM_001352913.2 (MANE Select); coding-DNA position 1629, G replaced by T.
Protein change: p.Lys543Asn; replaces lysine 543 with asparagine.
Molecular consequence: missense variant.
Genome position (GRCh38, 1-based): chr14:101,925,161, G>T. VCF-style: chr14-101925161-G-T. GRCh37 (hg19) VCF-style: chr14-102391498-G-T.
Other names: c.1557G>T, p.Lys519Asn (NM_001161725.2); c.1512G>T, p.Lys504Asn (NM_001161726.2); c.1347G>T, p.Lys449Asn (NM_001352912.1, NM_178586.3); c.1527G>T, p.Lys509Asn (NM_001352914.2); c.1239G>T, p.Lys413Asn (NM_001352915.2); c.1122G>T, p.Lys374Asn (NM_001352916.2); c.1464G>T, p.Lys488Asn (NM_002719.4); short protein forms K413N, K449N, K519N, K543N, K374N, K488N, K509N, K504N.
Identifiers: ClinVar variation 2794961 (VCV002794961.3), dbSNP rs773983224, ClinGen allele CA391001463.

ClinVar aggregate classification (germline): Uncertain significance (1 of 4 stars; one submission).

gnomAD v4.1: 2 of 1,614,100 alleles (0.00012%); highest among the groups gnomAD compares: Admixed American, 0.0017%; no homozygotes.

Submission:

Labcorp Genetics (formerly Invitae), Labcorp
Classification: Uncertain significance. Last evaluated: 2025-01-06. Review status: criteria provided, single submitter. Criteria: Invitae Variant Classification Sherloc (09022015). Collection method: clinical testing. Allele origin: germline.
Comment: This sequence change replaces lysine, which is basic and polar, with asparagine, which is neutral and polar, at codon 519 of the PPP2R5C protein (p.Lys519Asn). This variant is not present in population databases (gnomAD no frequency). This variant has not been reported in the literature in individuals affected with PPP2R5C-related conditions. ClinVar contains an entry for this variant (Variation ID: 2794961). An algorithm developed to predict the effect of missense changes on protein structure and function (PolyPhen-2) suggests that this variant is likely to be tolerated. In summary, the available evidence is currently insufficient to determine the role of this variant in disease. Therefore, it has been classified as a Variant of Uncertain Significance.